The following is an entry in ClinVar:

NM_007294.4(BRCA1):c.464_465del (p.Gln155fs)

Gene: BRCA1 (BRCA1 DNA repair associated; minus strand). Cytogenetic location: 17q21.31.
Variant type: Deletion.
Coding change: c.464_465del on transcript NM_007294.4 (MANE Select); coding-DNA positions 464 to 465, 2 bases deleted (AA; older notation c.464_465delAA).
Protein change: p.Gln155fs; shifts the reading frame from glutamine 155.
Molecular consequence: frameshift variant. On other transcripts: non-coding transcript variant (1).
Genome position (GRCh38, 1-based): chr17:43,099,857-43,099,858, TT deleted on the plus strand (AA on the coding strand, the reverse complement: BRCA1 is on the minus strand). VCF-style (leftmost placement, unchanged base first): chr17-43099856-GTT-G. GRCh37 (hg19) VCF-style: chr17-41251873-GTT-G.
Other names: c.461_462delAA, p.Gln154Profs (NM_001407649.1, NM_001407670.1, NM_001407671.1 and 65 more transcripts); c.464_465delAA, p.Gln155Profs (NM_001407652.1, NM_001407664.1, NM_001407665.1 and 95 more transcripts); c.386_387delAA, p.Gln129Profs (NM_001407653.1, NM_001407654.1, NM_001407655.1 and 12 more transcripts); c.383_384delAA, p.Gln128Profs (NM_001407659.1, NM_001407660.1, NM_001407661.1 and 6 more transcripts); c.323_324delAA, p.Gln108Profs (NM_001407692.1, NM_001407694.1, NM_001407695.1 and 60 more transcripts); c.320_321delAA, p.Gln107Profs (NM_001407740.1, NM_001407741.1, NM_001407742.1 and 35 more transcripts); c.251_252delAA, p.Gln84Profs (NM_001407853.1, NM_001407571.1, NM_001407894.1 and 18 more transcripts); c.254_255delAA, p.Gln85Profs (NM_001407879.1, NM_001407881.1, NM_001407882.1 and 37 more transcripts); and 6 more; short protein forms Q155fs, Q108fs.
Identifiers: ClinVar variation 254375 (VCV000254375.3), dbSNP rs886037974, ClinGen allele CA10586669.
Genomic context (GRCh38, chr17:43,099,856, plus strand): 5'-TCTTTTGAGGTTGTATCCGCTGCTTTGTCCTCAGAGTTCTCACAGTTCCAAGGTTAGAGA[GTT>G]GGACACTGAGACTGGTTTCCTGCTAAACAGTATGGTAAAGAACAGTCAAGCAATTGTTGG-3'

ClinVar aggregate classification (germline): Pathogenic (3 of 4 stars; one submission).

Conditions:
Breast-ovarian cancer, familial, susceptibility to, 1 (BROVCA1). Also called: BRCA1 Hereditary Breast and Ovarian Cancer; OVARIAN CANCER, SUSCEPTIBILITY TO. Identifiers: Orphanet 145, MedGen C2676676, MONDO:0011450, OMIM 604370. Disease mechanism: loss of function.

Submission:

Evidence-based Network for the Interpretation of Germline Mutant Alleles (ENIGMA)
Classification: Pathogenic for Breast-ovarian cancer, familial, susceptibility to, 1. Last evaluated: 2016-09-08. Review status: reviewed by expert panel. Criteria: ENIGMA BRCA1/2 Classification Criteria (2015). Collection method: curation. Allele origin: germline.
Comment: Variant allele predicted to encode a truncated non-functional protein.